The following is an entry in ClinVar:

NM_004714.3(DYRK1B):c.253A>G (p.Lys85Glu)

Gene: DYRK1B (dual specificity tyrosine phosphorylation regulated kinase 1B; minus strand). Cytogenetic location: 19q13.2.
Variant type: single nucleotide variant.
Coding change: c.253A>G on transcript NM_004714.3 (MANE Select); coding-DNA position 253, A replaced by G.
Protein change: p.Lys85Glu; replaces lysine 85 with glutamic acid.
Molecular consequence: missense variant.
Genome position (GRCh38, 1-based): chr19:39,830,494, T>C on the plus strand (A>G on the coding strand, the complement: DYRK1B is on the minus strand). VCF-style: chr19-39830494-T-C. GRCh37 (hg19) VCF-style: chr19-40321134-T-C.
Other names: c.253A>G, p.Lys85Glu (NM_006483.3, NM_006484.3); short protein forms K85E.
Identifiers: ClinVar variation 3351778 (VCV003351778.1).

ClinVar aggregate classification (germline): Uncertain significance (0 of 4 stars; one submission).

Conditions:
DYRK1B-related disorder. Also called: DYRK1B-related condition.

Submission:

PreventionGenetics, part of Exact Sciences
Classification: Uncertain significance for DYRK1B-related condition. Last evaluated: 2024-05-12. Review status: no assertion criteria provided. Collection method: clinical testing. Allele origin: germline.
Comment: The DYRK1B c.253A>G variant is predicted to result in the amino acid substitution p.Lys85Glu. To our knowledge, this variant has not been reported in the literature. This variant is reported in 0.00088% of alleles in individuals of European (Non-Finnish) descent in gnomAD. At this time, the clinical significance of this variant is uncertain due to the absence of conclusive functional and genetic evidence.